The following is an entry in ClinVar:

NM_001999.4(FBN2):c.8350C>A (p.Pro2784Thr)

Gene: FBN2 (fibrillin 2; minus strand). Cytogenetic location: 5q23.3.
Variant type: single nucleotide variant.
Coding change: c.8350C>A on transcript NM_001999.4 (MANE Select); coding-DNA position 8350, C replaced by A.
Protein change: p.Pro2784Thr; replaces proline 2784 with threonine.
Molecular consequence: missense variant.
Genome position (GRCh38, 1-based): chr5:128,261,750, G>T on the plus strand (C>A on the coding strand, the complement: FBN2 is on the minus strand). VCF-style: chr5-128261750-G-T. GRCh37 (hg19) VCF-style: chr5-127597442-G-T.
Other names: short protein forms P2784T.
Identifiers: ClinVar variation 4742749 (VCV004742749.1).

ClinVar aggregate classification (germline): Uncertain significance (1 of 4 stars; one submission).

Conditions:
Congenital contractural arachnodactyly (CCA). Also called: BEALS SYNDROME; Arthrogryposis, distal, type 9; Beals-Hecht syndrome. Identifiers: Orphanet 115, MedGen C0220668, MONDO:0007363, OMIM 121050.

gnomAD v4.1: 1 of 1,614,172 alleles (0.000062%); highest among the groups gnomAD compares: Non-Finnish European, 0.000085%; no homozygotes.

Submission:

Labcorp Genetics (formerly Invitae), Labcorp
Classification: Uncertain significance for Congenital contractural arachnodactyly. Last evaluated: 2026-02-02. Review status: criteria provided, single submitter. Criteria: Invitae Variant Classification Sherloc (09022015). Collection method: clinical testing. Allele origin: germline.
Comment: This sequence change replaces proline, which is neutral and non-polar, with threonine, which is neutral and polar, at codon 2784 of the FBN2 protein (p.Pro2784Thr). This variant is not present in population databases (gnomAD no frequency). This variant has not been reported in the literature in individuals affected with FBN2-related conditions. Invitae Evidence Modeling of protein sequence and biophysical properties (such as structural, functional, and spatial information, amino acid conservation, physicochemical variation, residue mobility, and thermodynamic stability) indicates that this missense variant is not expected to disrupt FBN2 protein function with a negative predictive value of 80%. In summary, the available evidence is currently insufficient to determine the role of this variant in disease. Therefore, it has been classified as a Variant of Uncertain Significance.